The following is an entry in ClinVar:

ClinVar aggregate classification (germline): Benign (1 of 4 stars; one submission).

Submission:

CeGaT Center for Human Genetics Tuebingen
Classification: Benign. Last evaluated: 2026-04-01. Review status: criteria provided, single submitter. Criteria: CeGaT Center For Human Genetics Tuebingen Variant Classification Criteria Version 2. Collection method: clinical testing. Allele origin: germline. Affected: yes. Observed: 4 variant alleles.
Comment: ATXN2: BS1, BS2

NM_001310121.1(ATXN2):c.-65+172_-65+180dup

Gene: ATXN2 (ataxin 2; minus strand). Cytogenetic location: 12q24.12.
Variant type: Duplication.
Coding change: c.-65+172_-65+180dup on transcript NM_001310121.1; bases 172 to 180 of the intron after 65 bases upstream of the start codon, 9 bases duplicated (AGCGGGCGG; older notation c.-65+172_-65+180dupAGCGGGCGG).
Molecular consequence: intron variant.
Genome position (GRCh38, 1-based): chr12:111,599,395-111,599,403, CCGCCCGCT duplicated on the plus strand (AGCGGGCGG on the coding strand, the reverse complement: ATXN2 is on the minus strand); duplicating any 9 consecutive bases within chr12:111,599,395-111,599,408 gives the same sequence; the c. name uses the placement nearest the transcript's 3' end. VCF-style (leftmost placement, unchanged base first): chr12-111599394-C-CCCGCCCGCT. GRCh37 (hg19) VCF-style: chr12-112037198-C-CCCGCCCGCT.
Other names: c.-28+172_-28+180dup (NM_001310123.1).
Identifiers: ClinVar variation 3770739 (VCV003770739.13).